The following is an entry in ClinVar:

ClinVar aggregate classification (germline): Uncertain significance (1 of 4 stars; one submission).

Conditions:
Curry-Hall syndrome (WAD). Also called: WEYERS ACRODENTAL DYSOSTOSIS. Identifiers: Orphanet 952, MedGen C0457013, MONDO:0008673, OMIM 193530.
Ellis-van Creveld syndrome (EVC). Also called: EVC-Related Ellis-van Creveld Syndrome; EVC2-Related Ellis-van Creveld Syndrome; MESOECTODERMAL DYSPLASIA; Chondroectodermal dysplasia. Identifiers: Orphanet 289, MedGen C0013903, MONDO:0009162, OMIM 225500.

gnomAD v4.1: 3 of 1,592,372 alleles (0.00019%); highest among the groups gnomAD compares: Non-Finnish European, 0.00026%; no homozygotes.

Submission:

Labcorp Genetics (formerly Invitae), Labcorp
Classification: Uncertain significance for Curry-Hall syndrome; Ellis-van Creveld syndrome. Last evaluated: 2025-06-23. Review status: criteria provided, single submitter. Criteria: Invitae Variant Classification Sherloc (09022015). Collection method: clinical testing. Allele origin: germline.
Comment: This sequence change replaces leucine, which is neutral and non-polar, with isoleucine, which is neutral and non-polar, at codon 1021 of the EVC2 protein (p.Leu1021Ile). The frequency data for this variant in the population databases is considered unreliable, as metrics indicate poor data quality at this position in the gnomAD database. This variant has not been reported in the literature in individuals affected with EVC2-related conditions. An algorithm developed to predict the effect of missense changes on protein structure and function outputs the following: PolyPhen-2: "Benign". The isoleucine amino acid residue is found in multiple mammalian species, which suggests that this missense change does not adversely affect protein function. In summary, the available evidence is currently insufficient to determine the role of this variant in disease. Therefore, it has been classified as a Variant of Uncertain Significance.

NM_147127.5(EVC2):c.3061C>A (p.Leu1021Ile)

Gene: EVC2 (EvC ciliary complex subunit 2; minus strand). Cytogenetic location: 4p16.2.
Variant type: single nucleotide variant.
Coding change: c.3061C>A on transcript NM_147127.5 (MANE Select); coding-DNA position 3061, C replaced by A.
Protein change: p.Leu1021Ile; replaces leucine 1021 with isoleucine.
Molecular consequence: missense variant.
Genome position (GRCh38, 1-based): chr4:5,576,451, G>T on the plus strand (C>A on the coding strand, the complement: EVC2 is on the minus strand). VCF-style: chr4-5576451-G-T. GRCh37 (hg19) VCF-style: chr4-5578178-G-T.
Other names: c.2821C>A, p.Leu941Ile (NM_001166136.2); short protein forms L941I, L1021I.
Identifiers: ClinVar variation 4783913 (VCV004783913.1).
Genomic context (GRCh38, chr4:5,576,451, plus strand): 5'-GCTGCTGGGCTGCCTCCTGCTGCACCAGCTGGTCCTCCAGCTTCCTCTCCAACTCCTGGA[G>T]CTCCTACACAAGGAAGGGGCAGAGGGTAAGCACCACTGCACAAGGCGGGTGGGGTGGAGG-3'
Protein context (NP_667338.3, residues 1011-1031): TQILESHSRE[Leu1021Ile]QELERKLEDQ